The following is an entry in ClinVar:

ClinVar aggregate classification (germline): Uncertain significance (1 of 4 stars; one submission).

Allele frequency attached by ClinVar (database versions not stated): gnomAD 0.00001; TOPMed 0.00001; ExAC 0.00002.
gnomAD v4.1: 39 of 1,613,760 alleles (0.0024%); highest among the groups gnomAD compares: Middle Eastern, 0.35%; no homozygotes.

Submission:

CeGaT Center for Human Genetics Tuebingen
Classification: Uncertain significance. Last evaluated: 2023-09-01. Review status: criteria provided, single submitter. Criteria: CeGaT Center For Human Genetics Tuebingen Variant Classification Criteria Version 2. Collection method: clinical testing. Allele origin: germline. Affected: yes. Observed: 1 variant allele.
Comment: PLCL1: PM2:Supporting, BP4

NM_006226.4(PLCL1):c.1405C>A (p.Arg469=)

Gene: PLCL1 (phospholipase C like 1 (inactive); plus strand). Cytogenetic location: 2q33.1.
Variant type: single nucleotide variant.
Coding change: c.1405C>A on transcript NM_006226.4 (MANE Select); coding-DNA position 1405, C replaced by A.
Protein change: p.Arg469=; no amino-acid change (arginine 469 retained).
Molecular consequence: synonymous variant.
Genome position (GRCh38, 1-based): chr2:198,084,922, C>A. VCF-style: chr2-198084922-C-A. GRCh37 (hg19) VCF-style: chr2-198949646-C-A.
Other names: c.1405C>A, p.Arg469= (NM_001114661.1).
Identifiers: ClinVar variation 2651800 (VCV002651800.24), dbSNP rs765105645, ClinGen allele CA2045372.